The following is an entry in ClinVar:

NM_006015.6(ARID1A):c.5497C>T (p.Arg1833Cys)

Gene: ARID1A (AT-rich interaction domain 1A; plus strand). Cytogenetic location: 1p36.11.
Variant type: single nucleotide variant.
Coding change: c.5497C>T on transcript NM_006015.6 (MANE Select); coding-DNA position 5497, C replaced by T.
Protein change: p.Arg1833Cys; replaces arginine 1833 with cysteine.
Molecular consequence: missense variant.
Genome position (GRCh38, 1-based): chr1:26,779,395, C>T. VCF-style: chr1-26779395-C-T. GRCh37 (hg19) VCF-style: chr1-27105886-C-T.
Other names: c.4846C>T, p.Arg1616Cys (NM_139135.4); short protein forms R1616C, R1833C.
Identifiers: ClinVar variation 1706986 (VCV001706986.7), dbSNP rs372213935, ClinGen allele CA19815481.

ClinVar aggregate classification (germline): Likely benign. Review status: criteria provided, multiple submitters, no conflicts (2 of 4 stars). 2 submissions from 2 submitters: Likely benign (2). Last evaluated 2025-06-25.

Allele frequency attached by ClinVar (database versions not stated): TOPMed 0.00001; gnomAD 0.00002; gnomAD exomes 0.00004; ESP Exome Variant Server 0.00008.
gnomAD v4.1: 62 of 1,614,158 alleles (0.0038%); highest among the groups gnomAD compares: Middle Eastern, 0.033%; no homozygotes.

Submissions (2):

Labcorp Genetics (formerly Invitae), Labcorp
Classification: Likely benign. Last evaluated: 2025-06-25. Review status: criteria provided, single submitter. Criteria: Invitae Variant Classification Sherloc (09022015). Collection method: clinical testing. Allele origin: germline.

GeneDx
Classification: Likely benign. Last evaluated: 2021-05-03. Review status: criteria provided, single submitter. Criteria: GeneDx Variant Classification Process June 2021. Collection method: clinical testing. Allele origin: germline. Affected: yes.
Comment: See Variant Classification Assertion Criteria.